The following is an entry in ClinVar:

NM_032119.4(ADGRV1):c.5779_5783dup (p.Ser1928fs)

Gene: ADGRV1 (adhesion G protein-coupled receptor V1; plus strand). Cytogenetic location: 5q14.3.
Variant type: Duplication.
Coding change: c.5779_5783dup on transcript NM_032119.4 (MANE Select); coding-DNA positions 5779 to 5783, 5 bases duplicated (ACGAG; older notation c.5779_5783dupACGAG).
Protein change: p.Ser1928fs; shifts the reading frame from serine 1928.
Molecular consequence: frameshift variant. On other transcripts: non-coding transcript variant (1).
Genome position (GRCh38, 1-based): chr5:90,683,700-90,683,704, ACGAG duplicated; duplicating any 5 consecutive bases within chr5:90,683,698-90,683,704 gives the same sequence; the c. name uses the placement nearest the transcript's 3' end. VCF-style (leftmost placement, unchanged base first): chr5-90683697-C-CAGACG. GRCh37 (hg19) VCF-style: chr5-89979514-C-CAGACG.
Other names: p.Ser1928ArgfsX42; short protein forms S1928fs.
Identifiers: ClinVar variation 179943 (VCV000179943.10), dbSNP rs730880369, ClinGen allele CA273666.

ClinVar aggregate classification (germline): Pathogenic. Review status: criteria provided, multiple submitters, no conflicts (2 of 4 stars). 2 submissions from 2 submitters: Pathogenic (2). Last evaluated 2024-02-23.

Conditions:
Rare genetic deafness. Identifiers: Orphanet 96210, MedGen C5680250.

Submissions (2):

Labcorp Genetics (formerly Invitae), Labcorp
Classification: Pathogenic. Last evaluated: 2024-02-23. Review status: criteria provided, single submitter. Criteria: Invitae Variant Classification Sherloc (09022015). Collection method: clinical testing. Allele origin: germline.
Comment: This sequence change creates a premature translational stop signal (p.Ser1928Argfs*42) in the ADGRV1 gene. It is expected to result in an absent or disrupted protein product. Loss-of-function variants in ADGRV1 are known to be pathogenic (PMID: 19357117, 22135276, 22147658, 26226137, 30718709, 31047384, 32467589). This variant is not present in population databases (gnomAD no frequency). This variant has not been reported in the literature in individuals affected with ADGRV1-related conditions. ClinVar contains an entry for this variant (Variation ID: 179943). For these reasons, this variant has been classified as Pathogenic.

Laboratory for Molecular Medicine, Mass General Brigham Personalized Medicine
Classification: Pathogenic for Rare genetic deafness. Last evaluated: 2014-08-07. Review status: criteria provided, single submitter. Criteria: LMM Criteria. Collection method: clinical testing. Allele origin: germline. Observed: 1 variant allele.
Comment: The Ser1928fs variant in GPR98 has not been previously reported in individuals w ith hearing loss or in large population studies. This variant is predicted to ca use a frameshift, which alters the protein?s amino acid sequence beginning at po sition 1928 and leads to a premature termination codon 42 amino acids downstream . This alteration is then predicted to lead to a truncated or absent protein. In summary, this variant meets our criteria to be classified as pathogenic.

Literature cited by the submitters: PubMed 19357117 (cited by Labcorp Genetics (formerly Invitae), Labcorp); PubMed 22135276 (cited by Labcorp Genetics (formerly Invitae), Labcorp); PubMed 22147658 (cited by Labcorp Genetics (formerly Invitae), Labcorp); PubMed 26226137 (cited by Labcorp Genetics (formerly Invitae), Labcorp); PubMed 30718709 (cited by Labcorp Genetics (formerly Invitae), Labcorp); PubMed 31047384 (cited by Labcorp Genetics (formerly Invitae), Labcorp); PubMed 32467589 (cited by Labcorp Genetics (formerly Invitae), Labcorp).